The following is an entry in ClinVar:

NM_025137.4(SPG11):c.1111T>C (p.Ser371Pro)

Gene: SPG11 (SPG11 vesicle trafficking associated, spatacsin; minus strand). Cytogenetic location: 15q21.1.
Variant type: single nucleotide variant.
Coding change: c.1111T>C on transcript NM_025137.4 (MANE Select); coding-DNA position 1111, T replaced by C.
Protein change: p.Ser371Pro; replaces serine 371 with proline.
Molecular consequence: missense variant.
Genome position (GRCh38, 1-based): chr15:44,651,836, A>G on the plus strand (T>C on the coding strand, the complement: SPG11 is on the minus strand). VCF-style: chr15-44651836-A-G. GRCh37 (hg19) VCF-style: chr15-44944034-A-G.
Other names: c.1111T>C, p.Ser371Pro (NM_001160227.2, NM_001411132.1); short protein forms S371P.
Identifiers: ClinVar variation 1795349 (VCV001795349.2), dbSNP rs1236819982, ClinGen allele CA392236567.

ClinVar aggregate classification (germline): Uncertain significance (1 of 4 stars; one submission).

Conditions:
Inborn genetic diseases. Identifiers: MedGen C0950123, MeSH D030342.

Allele frequency attached by ClinVar (database versions not stated): TOPMed below 0.00001; gnomAD 0.00001; gnomAD exomes 0.00001.
gnomAD v4.1: 16 of 1,613,892 alleles (0.00099%); highest among the groups gnomAD compares: Non-Finnish European, 0.0014%; no homozygotes.

Submission:

Ambry Genetics
Classification: Uncertain significance for Inborn genetic diseases. Last evaluated: 2022-03-08. Review status: criteria provided, single submitter. Criteria: Ambry Variant Classification Scheme 2023. Collection method: clinical testing. Allele origin: germline.
Comment: The p.S371P variant (also known as c.1111T>C), located in coding exon 6 of the SPG11 gene, results from a T to C substitution at nucleotide position 1111. The serine at codon 371 is replaced by proline, an amino acid with similar properties. This amino acid position is conserved. In addition, this alteration is predicted to be tolerated by in silico analysis. Since supporting evidence is limited at this time, the clinical significance of this alteration remains unclear.